The following is an entry in ClinVar:

NM_007294.4(BRCA1):c.3410T>A (p.Met1137Lys)

Genes: BRCA1 (BRCA1 DNA repair associated; minus strand), LOC126862571 (BRD4-independent group 4 enhancer GRCh37_chr17:41243136-41244335; plus strand). Cytogenetic location: 17q21.31.
Variant type: single nucleotide variant.
Coding change: c.3410T>A on transcript NM_007294.4 (MANE Select); coding-DNA position 3410, T replaced by A.
Protein change: p.Met1137Lys; replaces methionine 1137 with lysine.
Molecular consequence: missense variant. On other transcripts: intron variant (135).
Genome position (GRCh38, 1-based): chr17:43,092,121, A>T on the plus strand (T>A on the coding strand, the complement: BRCA1 is on the minus strand). VCF-style: chr17-43092121-A-T. GRCh37 (hg19) VCF-style: chr17-41244138-A-T.
Other names: c.3410T>A, p.Met1137Lys (NM_001407625.1, NM_001407626.1, NM_001407639.1 and 30 more transcripts); c.3407T>A, p.Met1136Lys (NM_001407627.1, NM_001407628.1, NM_001407629.1 and 22 more transcripts); c.3401T>A, p.Met1134Lys (NM_001407646.1, NM_001407647.1); c.3287T>A, p.Met1096Lys (NM_001407648.1, NM_001407675.1, NM_001407676.1 and 19 more transcripts); c.3284T>A, p.Met1095Lys (NM_001407649.1, NM_001407685.1, NM_001407686.1 and 11 more transcripts); c.3197T>A, p.Met1066Lys (NM_001407571.1, NM_001407853.1, NM_001407894.1 and 9 more transcripts); c.3332T>A, p.Met1111Lys (NM_001407653.1, NM_001407654.1, NM_001407655.1 and 4 more transcripts); c.3329T>A, p.Met1110Lys (NM_001407659.1, NM_001407660.1, NM_001407661.1 and 1 more transcripts); and 41 more; short protein forms M1025K, M1026K, M1049K, M1066K, M1090K, M1111K, M1009K, M1067K.
Identifiers: ClinVar variation 3634651 (VCV003634651.2).
Genomic context (GRCh38, chr17:43,092,121, plus strand): 5'-CCATCATCTAACAGGTCATCAGGTGTCTCAGAACAAACCTGAGATGCATGACTACTTCCC[A>T]TAGGCTGTTCTAAGTTATCTGAAATCAGATATGGAGAGAAATCTGTATTAACAGTCTGAA-3'
Protein context (NP_009225.1, residues 1127-1147): YLISDNLEQP[Met1137Lys]GSSHASQVCS

ClinVar aggregate classification (germline): Uncertain significance (1 of 4 stars; one submission).

Conditions:
Hereditary breast ovarian cancer syndrome. Also called: Hereditary breast and ovarian cancer syndrome; Hereditary breast and ovarian cancer syndrome (HBOC); BRCA1- and BRCA2-Associated Hereditary Breast and Ovarian Cancer; Hereditary breast and ovarian cancer; Breast and ovarian cancer; Hereditary breast and/or ovarian cancer syndrome. Identifiers: Orphanet 145, MedGen C0677776, MeSH D061325, MONDO:0003582. Disease mechanism: loss of function.

Submission:

Labcorp Genetics (formerly Invitae), Labcorp
Classification: Uncertain significance for Hereditary breast ovarian cancer syndrome. Last evaluated: 2024-09-27. Review status: criteria provided, single submitter. Criteria: Invitae Variant Classification Sherloc (09022015). Collection method: clinical testing. Allele origin: germline.
Comment: This sequence change replaces methionine, which is neutral and non-polar, with lysine, which is basic and polar, at codon 1137 of the BRCA1 protein (p.Met1137Lys). This variant is not present in population databases (gnomAD no frequency). This variant has not been reported in the literature in individuals affected with BRCA1-related conditions. Invitae Evidence Modeling of protein sequence and biophysical properties (such as structural, functional, and spatial information, amino acid conservation, physicochemical variation, residue mobility, and thermodynamic stability) indicates that this missense variant is not expected to disrupt BRCA1 protein function with a negative predictive value of 95%. In summary, the available evidence is currently insufficient to determine the role of this variant in disease. Therefore, it has been classified as a Variant of Uncertain Significance.